The following is an entry in ClinVar:

NM_001130144.3(LTBP3):c.2553_2554del (p.Cys852fs)

Gene: LTBP3 (latent transforming growth factor beta binding protein 3; minus strand). Cytogenetic location: 11q13.1.
Variant type: Deletion.
Coding change: c.2553_2554del on transcript NM_001130144.3 (MANE Select); coding-DNA positions 2553 to 2554, 2 bases deleted (TT; older notation c.2553_2554delTT).
Protein change: p.Cys852fs; shifts the reading frame from cysteine 852.
Molecular consequence: frameshift variant.
Genome position (GRCh38, 1-based): chr11:65,543,147-65,543,148, AA deleted on the plus strand (TT on the coding strand, the reverse complement: LTBP3 is on the minus strand); deleting any 2 consecutive bases within chr11:65,543,147-65,543,149 gives the same sequence; the c. name uses the placement nearest the transcript's 3' end. VCF-style (leftmost placement, unchanged base first): chr11-65543146-CAA-C. GRCh37 (hg19) VCF-style: chr11-65310617-CAA-C.
Other names: c.2202_2203del, p.Cys735fs (NM_001164266.1); c.2553_2554del, p.Cys852fs (NM_021070.4); short protein forms C852fs, C735fs.
Identifiers: ClinVar variation 2026372 (VCV002026372.4), dbSNP rs2496138297, ClinGen allele CA2580084456.

ClinVar aggregate classification (germline): Pathogenic (1 of 4 stars; one submission).

Conditions:
Brachyolmia-amelogenesis imperfecta syndrome. Also called: Tooth agenesis, selective, 6; Dental anomalies and short stature; PLATYSPONDYLY WITH AMELOGENESIS IMPERFECTA. Identifiers: Orphanet 2899, MedGen C1832594, MONDO:0011018, OMIM 601216. Disease mechanism: loss of function.

Submission:

Labcorp Genetics (formerly Invitae), Labcorp
Classification: Pathogenic for Brachyolmia-amelogenesis imperfecta syndrome. Last evaluated: 2022-08-22. Review status: criteria provided, single submitter. Criteria: Invitae Variant Classification Sherloc (09022015). Collection method: clinical testing. Allele origin: germline.
Comment: This sequence change creates a premature translational stop signal (p.Cys852Profs*17) in the LTBP3 gene. It is expected to result in an absent or disrupted protein product. Loss-of-function variants in LTBP3 are known to be pathogenic (PMID: 11790802, 19344874, 25669657). This variant is not present in population databases (gnomAD no frequency). This variant has not been reported in the literature in individuals affected with LTBP3-related conditions. For these reasons, this variant has been classified as Pathogenic.

Literature cited by the submitters: PubMed 11790802; PubMed 19344874; PubMed 25669657.